The following is an entry in ClinVar:

NM_000441.2(SLC26A4):c.296C>G (p.Thr99Arg)

Gene: SLC26A4 (solute carrier family 26 member 4; plus strand). Cytogenetic location: 7q22.3.
Variant type: single nucleotide variant.
Coding change: c.296C>G on transcript NM_000441.2 (MANE Select); coding-DNA position 296, C replaced by G.
Protein change: p.Thr99Arg; replaces threonine 99 with arginine.
Molecular consequence: missense variant.
Genome position (GRCh38, 1-based): chr7:107,663,427, C>G. VCF-style: chr7-107663427-C-G. GRCh37 (hg19) VCF-style: chr7-107303872-C-G.
Other names: short protein forms T99R.
Identifiers: ClinVar variation 417623 (VCV000417623.9), dbSNP rs141142414, ClinGen allele CA16616708.

ClinVar aggregate classification (germline): Likely pathogenic. Review status: criteria provided, single submitter (1 of 4 stars). 3 submissions from 3 submitters: Likely pathogenic (1). 2 of the submissions do not count toward it. Last evaluated 2024-02-16.

Conditions:
Autosomal recessive nonsyndromic hearing loss 4 (DFNB4). Also called: Enlarged vestibular aqueduct, digenic; FOXI1-Related Pendred Syndrome; KCNJ10-Related Pendred Syndrome; Deafness, autosomal recessive 4, with enlarged vestibular aqueduct; DEAFNESS, AUTOSOMAL RECESSIVE 4, WITH ENLARGED VESTIBULAR AQUEDUCT, DIGENIC; NEUROSENSORY NONSYNDROMIC RECESSIVE DEAFNESS 4. Identifiers: Orphanet 90636, MedGen C3538946, MONDO:0010933, OMIM 600791.
Pendred syndrome (PDS). Also called: THYROID DYSHORMONOGENESIS 2B; THYROID HORMONOGENESIS, GENETIC DEFECT IN, 2B; Pendred Syndrome (PDS); DEAFNESS WITH GOITER; GOITER-DEAFNESS SYNDROME; HYPOTHYROIDISM, CONGENITAL, DUE TO DYSHORMONOGENESIS, 2B. Identifiers: Orphanet 705, MedGen C0271829, MONDO:0010134, OMIM 274600.

Submissions (3):

Fulgent Genetics
Classification: Likely pathogenic for Pendred syndrome; Autosomal recessive nonsyndromic hearing loss 4. Last evaluated: 2024-02-16. Review status: criteria provided, single submitter. Criteria: ACMG Guidelines, 2015. Collection method: clinical testing. Allele origin: germline.

National Institute of Sensory Organs, National Hospital Organization Tokyo Medical Center
Classification: Affects for Autosomal recessive nonsyndromic hearing loss 4. Last evaluated: 2019-08-20. Review status: no assertion criteria provided. Collection method: literature only, in vitro. Allele origin: germline. Inheritance: Autosomal recessive inheritance. Affected: yes. Functional consequence: loss_of_function_variant. Not counted in ClinVar's aggregate classification.
Comment: in vitro experiment

Hearing and Balance Clinic, First Affliiated Hospital of Kunming Medical University
Classification: Pathogenic for Autosomal recessive nonsyndromic hearing loss 4. Last evaluated: 2017-01-03. Review status: no assertion criteria provided. Collection method: clinical testing, research. Allele origin: inherited, not applicable. Inheritance: Autosomal recessive inheritance. Affected: yes. Observed: 1 variant allele, 1 compound heterozygote. Not counted in ClinVar's aggregate classification.

Literature cited by the submitters: PubMed 16570074 (cited by National Institute of Sensory Organs, National Hospital Organization Tokyo Medical Center); PubMed 27771369 (cited by National Institute of Sensory Organs, National Hospital Organization Tokyo Medical Center); PubMed 31599023 (cited by National Institute of Sensory Organs, National Hospital Organization Tokyo Medical Center).